The following is an entry in ClinVar:

NM_000166.6(GJB1):c.491G>A (p.Arg164Gln)

Gene: GJB1 (gap junction protein beta 1; plus strand). Cytogenetic location: Xq13.1.
Variant type: single nucleotide variant.
Coding change: c.491G>A on transcript NM_000166.6 (MANE Select); coding-DNA position 491, G replaced by A.
Protein change: p.Arg164Gln; replaces arginine 164 with glutamine.
Molecular consequence: missense variant.
Genome position (GRCh38, 1-based): chrX:71,224,198, G>A. VCF-style: chrX-71224198-G-A. GRCh37 (hg19) VCF-style: chrX-70444048-G-A.
Other names: c.491G>A, p.Arg164Gln (NM_001097642.3); short protein forms R164Q.
Identifiers: ClinVar variation 543920 (VCV000543920.78), dbSNP rs1241595912, ClinGen allele CA413502758.
Genomic context (GRCh38, chrX:71,224,198, plus strand): 5'-TGTTTGAGGCCGTCTTCATGTATGTCTTTTATCTGCTCTACCCTGGCTATGCCATGGTGC[G>A]GCTGGTCAAGTGCGACGTCTACCCCTGCCCCAACACAGTGGACTGCTTCGTGTCCCGCCC-3'
Protein context (NP_000157.1, residues 154-174): YLLYPGYAMV[Arg164Gln]LVKCDVYPCP

ClinVar aggregate classification (germline): Pathogenic/Likely pathogenic. Review status: criteria provided, multiple submitters, no conflicts (2 of 4 stars). 12 submissions from 12 submitters: Pathogenic (8); Likely pathogenic (3). 1 of the submissions does not count toward it. Last evaluated 2025-09-09.

Conditions:
GJB1-related disorder. Also called: GJB1-related disorders; GJB1-related condition.
Inborn genetic diseases. Identifiers: MedGen C0950123, MeSH D030342.
Peripheral neuropathy. Also called: Neuropathy. Identifiers: MedGen C0031117, MONDO:0005244, HP:0009830.
Charcot-Marie-Tooth Neuropathy X. Identifiers: MedGen CN118851.
Charcot-Marie-Tooth disease X-linked dominant 1. Also called: X-linked Charcot-Marie-Tooth disease type 1; Charcot-Marie-Tooth Neuropathy X Type 1; GJB1 Disorders: Charcot-Marie-Tooth Neuropathy (CMT1X) and Central Nervous System Phenotypes; CHARCOT-MARIE-TOOTH NEUROPATHY, X-LINKED, 1; CHARCOT-MARIE-TOOTH PERONEAL MUSCULAR ATROPHY, X-LINKED; HEREDITARY MOTOR AND SENSORY NEUROPATHY, X-LINKED. Identifiers: Orphanet 101075, MedGen C0393808, MONDO:0010549, OMIM 302800.
Charcot-Marie-Tooth disease. Also called: Charcot-Marie-Tooth Neuropathy; Charcot-Marie-Tooth Hereditary Neuropathy. Identifiers: Orphanet 166, MedGen C0007959, MONDO:0015626.

Allele frequency attached by ClinVar (database versions not stated): gnomAD exomes below 0.00001 and 0.00001.
gnomAD v4.1: 2 of 1,205,955 alleles (0.00017%); highest among the groups gnomAD compares: Non-Finnish European, 0.00011%; no homozygotes.

Submissions (12):

3billion
Classification: Pathogenic for Charcot-Marie-Tooth disease X-linked dominant 1. Last evaluated: 2025-09-09. Review status: criteria provided, single submitter. Criteria: ACMG Guidelines, 2015. Collection method: clinical testing. Allele origin: germline. Affected: yes.
Comment: The variant is observed at an extremely low frequency in the gnomAD v4.1.0 dataset (total allele frequency: <0.001%). Predicted Consequence/Location: Missense variant Functional studies provide strong evidence of the variant having a damaging effect on the gene or gene product (PMID: 27844031). In silico tool predictions suggest damaging effect of the variant on gene or gene product [REVEL: 0.85 (>=0.6, sensitivity 0.68 and specificity 0.92); 3Cnet: 0.94 (> 0.75, sensitivity 0.96 and precision 0.92)]. The same nucleotide change resulting in the same amino acid change has been previously reported as pathogenic/likely pathogenic with strong evidence (ClinVar ID: VCV000543920 /PMID: 9187667 /3billion dataset). Different missense changes at the same codon (p.Arg164Gly, p.Arg164Leu, p.Arg164Trp) have been reported as pathogenic/likely pathogenic with strong evidence (ClinVar ID: VCV000217170, VCV000846947 /PMID: 22464564, 28768847, 7580242 /3billion dataset). Therefore, this variant is classified as Pathogenic according to the recommendation of ACMG/AMP guideline.

Laboratory of Genetics, Children's Clinical University Hospital Latvia
Classification: Pathogenic. Last evaluated: 2025-02-16. Review status: criteria provided, single submitter. Criteria: ACMG Guidelines, 2015. Collection method: clinical testing. Allele origin: germline. Affected: yes.

Labcorp Genetics (formerly Invitae), Labcorp
Classification: Pathogenic for Charcot-Marie-Tooth Neuropathy X. Last evaluated: 2024-10-22. Review status: criteria provided, single submitter. Criteria: Invitae Variant Classification Sherloc (09022015). Collection method: clinical testing. Allele origin: germline.
Comment: This sequence change replaces arginine, which is basic and polar, with glutamine, which is neutral and polar, at codon 164 of the GJB1 protein (p.Arg164Gln). This variant is present in population databases (no rsID available, gnomAD 0.007%). This missense change has been observed in individuals with Charcot-Marie-Tooth disease, type 1X (PMID: 9187667, 10923043, 11571214, 12497641, 15241803, 22243284, 23106488, 25025039, 26454100, 27027447). ClinVar contains an entry for this variant (Variation ID: 543920). Invitae Evidence Modeling of protein sequence and biophysical properties (such as structural, functional, and spatial information, amino acid conservation, physicochemical variation, residue mobility, and thermodynamic stability) has been performed for this missense variant. However, the output from this modeling did not meet the statistical confidence thresholds required to predict the impact of this variant on GJB1 protein function. Experimental studies have shown that this missense change affects GJB1 function (PMID: 27844031). This variant disrupts the p.Arg164 amino acid residue in GJB1. Other variant(s) that disrupt this residue have been determined to be pathogenic (PMID: 7580242, 9187667, 15006706, 27025386, 27027447). This suggests that this residue is clinically significant, and that variants that disrupt this residue are likely to be disease-causing. For these reasons, this variant has been classified as Pathogenic.

Women's Health and Genetics/Laboratory Corporation of America, LabCorp
Classification: Pathogenic for Charcot-Marie-Tooth disease X-linked dominant 1. Last evaluated: 2024-09-11. Review status: criteria provided, single submitter. Criteria: LabCorp Variant Classification Summary - May 2015. Collection method: clinical testing. Allele origin: germline.
Comment: Variant summary: GJB1 c.491G>A (p.Arg164Gln) results in a conservative amino acid change located in the Gap junction protein, cysteine-rich domain (IPR019570) of the encoded protein sequence. Three of five in-silico tools predict a damaging effect of the variant on protein function. The variant allele was found at a frequency of 5.8e-06 in 172347 control chromosomes (gnomAD). c.491G>A has been reported in the literature in multiple individuals affected with Charcot-Marie-Tooth disease X-linked dominant 1 (e.g. Hsu_2019, Record_2023). These data indicate that the variant is very likely to be associated with disease. The following publications have been ascertained in the context of this evaluation (PMID: 37284795, 31211173). ClinVar contains an entry for this variant (Variation ID: 543920). Based on the evidence outlined above, the variant was classified as pathogenic.

Blueprint Genetics
Classification: Pathogenic for GJB1-related disorders. Last evaluated: 2024-06-04. Review status: criteria provided, single submitter. Criteria: ACMG Guidelines, 2015. Collection method: clinical testing. Allele origin: germline. Affected: yes. Observed: 1 variant allele.

CeGaT Center for Human Genetics Tuebingen
Classification: Likely pathogenic. Last evaluated: 2023-11-01. Review status: criteria provided, single submitter. Criteria: CeGaT Center For Human Genetics Tuebingen Variant Classification Criteria Version 2. Collection method: clinical testing. Allele origin: germline. Affected: yes. Observed: 2 variant alleles.
Comment: GJB1: PM1, PM2, PM5, PS4:Moderate, PS3:Supporting

GeneDx
Classification: Pathogenic. Last evaluated: 2021-12-13. Review status: criteria provided, single submitter. Criteria: GeneDx Variant Classification Process June 2021. Collection method: clinical testing. Allele origin: germline. Affected: yes.
Comment: Published functional studies demonstrate a damaging effect, including reduced plasma membrane expression of GJB1 and GJ plaque formation combined with predominant cytoplasmic retention of GJB1, and impaired GJ permeability (Tsai et al., 2016); The majority of missense variants in this gene are considered pathogenic (Stenson et al., 2014); Not observed at a significant frequency in large population cohorts (Lek et al., 2016); In silico analysis, which includes protein predictors and evolutionary conservation, supports a deleterious effect; This variant is associated with the following publications: (PMID: 10220155, 10737979, 12497641, 11571214, 23649551, 7580242, 9187667, 27098783, 18379723, 26454100, 9854984, 10923043, 17100997, 25025039, 20443038, 27544631, 15241803, 9361298, 14663027, 27844031, 15006706, 27025386, 27027447, 22243284, 31211173, 32022442, 31948496, 33726816)

MGZ Medical Genetics Center
Classification: Pathogenic for Charcot-Marie-Tooth disease X-linked dominant 1. Last evaluated: 2021-11-03. Review status: criteria provided, single submitter. Criteria: ACMG Guidelines, 2015. Collection method: clinical testing. Allele origin: germline. Affected: yes. Observed: 2 variant alleles.
Comment: ACMG criteria applied: PS3, PS4, PM5, PM2_SUP, PP3

Ambry Genetics
Classification: Likely pathogenic for Inborn genetic diseases. Last evaluated: 2021-08-18. Review status: criteria provided, single submitter. Criteria: Ambry Variant Classification Scheme 2023. Collection method: clinical testing. Allele origin: germline.
Comment: The p.R164Q variant (also known as c.491G>A), located in coding exon 1 of the GJB1 gene, results from a G to A substitution at nucleotide position 491. The arginine at codon 164 is replaced by glutamine, an amino acid with highly similar properties. This variant has been reported in several individuals with Charcot-Marie-Tooth neuropathy X type 1 (CMTX1) (Ionasescu V et al. Neuromuscul Disord, 1995 Jul;5:297-9; Bort S et al. Hum Genet, 1997 Jun;99:746-54; H&oslash;yer H et al. Biomed Res Int, 2014 Jun;2014:210401; Michaelidou K et al. Mol Genet Genomic Med, 2020 04;8:e1141; Li LX et al. Oncotarget, 2016 May;7:27655-64; Wang R et al. Clin Chim Acta, 2015 Dec;451:263-70; Braathen GJ. Acta Neurol Scand Suppl, 2012;:iv-22; Yoshihara T et al. Hum Mutat, 2000 Aug;16:177-8; Karadima G et al. Clin Genet, 2011 Nov;80:497-9; Casasnovas C et al. Clin Genet, 2006 Dec;70:516-23; Choi BO et al. Hum Mutat, 2004 Aug;24:185-6; Dubourg O et al. Brain, 2001 Oct;124:1958-67; Huehne K et al. Hum Mutat, 2003 Jan;21:100; Tsai PC et al. Ann Clin Transl Neurol, 2016 11;3:854-865). Experimental studies have shown that this alteration causes mislocalization via cytoplasmic retention of GJB1 and significantly impairs Ca2+ signaling (Tsai PC et al. Ann Clin Transl Neurol, 2016 11;3:854-865). This amino acid position is highly conserved in available vertebrate species. In addition, this alteration is predicted to be deleterious by in silico analysis. Based on the majority of available evidence to date, this variant is likely to be pathogenic.

Kariminejad - Najmabadi Pathology & Genetics Center
Classification: Pathogenic for Peripheral neuropathy. Last evaluated: 2021-07-10. Review status: criteria provided, single submitter. Criteria: ACMG Guidelines, 2015. Collection method: clinical testing. Allele origin: germline. Affected: yes.

Clinical Genetics Service, Universitary Hospital 12 de Octubre
Classification: Likely pathogenic for Charcot-Marie-Tooth disease X-linked dominant 1. Review status: criteria provided, single submitter. Criteria: ACMG Guidelines, 2015. Collection method: clinical testing. Allele origin: germline. Affected: yes.

Inherited Neuropathy Consortium
Classification: Uncertain significance for Charcot-Marie-Tooth disease. Review status: no assertion criteria provided. Collection method: literature only. Allele origin: germline. Affected: yes. Not counted in ClinVar's aggregate classification.

Literature cited by the submitters: PubMed 9187667 (cited by 3 submitters); PubMed 27844031 (cited by 3 submitters); PubMed 22464564 (cited by 3billion); PubMed 10923043 (cited by Labcorp Genetics (formerly Invitae), Labcorp and Ambry Genetics); PubMed 11571214 (cited by Labcorp Genetics (formerly Invitae), Labcorp and Ambry Genetics); PubMed 12497641 (cited by Labcorp Genetics (formerly Invitae), Labcorp and Ambry Genetics); PubMed 15241803 (cited by Labcorp Genetics (formerly Invitae), Labcorp and Ambry Genetics); PubMed 22243284 (cited by Labcorp Genetics (formerly Invitae), Labcorp and Ambry Genetics); PubMed 23106488 (cited by Labcorp Genetics (formerly Invitae), Labcorp and Ambry Genetics); PubMed 25025039 (cited by Labcorp Genetics (formerly Invitae), Labcorp and Ambry Genetics); PubMed 26454100 (cited by Labcorp Genetics (formerly Invitae), Labcorp and Ambry Genetics); PubMed 27027447 (cited by Labcorp Genetics (formerly Invitae), Labcorp and Ambry Genetics); PubMed 7580242 (cited by Labcorp Genetics (formerly Invitae), Labcorp and Ambry Genetics); PubMed 15006706 (cited by Labcorp Genetics (formerly Invitae), Labcorp); PubMed 27025386 (cited by Labcorp Genetics (formerly Invitae), Labcorp); PubMed 31211173 (cited by Women's Health and Genetics/Laboratory Corporation of America, LabCorp); PubMed 37284795 (cited by Women's Health and Genetics/Laboratory Corporation of America, LabCorp); PubMed 17100997 (cited by Ambry Genetics and Inherited Neuropathy Consortium); PubMed 32022442 (cited by Ambry Genetics).